The following is an entry in ClinVar:

NM_000382.3(ALDH3A2):c.298C>T (p.Gln100Ter)

Gene: ALDH3A2 (aldehyde dehydrogenase 3 family member A2; plus strand). Cytogenetic location: 17p11.2.
Variant type: single nucleotide variant.
Coding change: c.298C>T on transcript NM_000382.3 (MANE Select); coding-DNA position 298, C replaced by T.
Protein change: p.Gln100Ter; replaces glutamine 100 with a stop codon.
Molecular consequence: nonsense. On other transcripts: 5 prime UTR variant (1).
Genome position (GRCh38, 1-based): chr17:19,651,691, C>T. VCF-style: chr17-19651691-C-T. GRCh37 (hg19) VCF-style: chr17-19555004-C-T.
Other names: c.298C>T, p.Gln100Ter (NM_001031806.2, NM_001369136.1, NM_001369137.2 and 3 more transcripts); c.-391C>T (NM_001369148.2); short protein forms Q100*.
Identifiers: ClinVar variation 5014520 (VCV005014520.1).
Genomic context (GRCh38, chr17:19,651,691, plus strand): 5'-ACTGCTAAACCAGTTAAGAAGAACGTGCTCACCATGCTGGATGAGGCCTATATTCAGCCA[C>T]AGCCTCTGGGAGTGGTGCTGATAATCGGAGCTTGGAATTACCCCTTCGTTCTCACCATTC-3'

ClinVar aggregate classification (germline): Pathogenic (1 of 4 stars; one submission).

Conditions:
Sjögren-Larsson syndrome (SLS). Also called: FALDH DEFICIENCY; FATTY ALCOHOL:NAD+ OXIDOREDUCTASE DEFICIENCY; FATTY ALDEHYDE DEHYDROGENASE DEFICIENCY; ICHTHYOSIS, SPASTIC NEUROLOGIC DISORDER, AND OLIGOPHRENIA. Identifiers: Orphanet 816, MedGen C0037231, MONDO:0010031, OMIM 270200.

Submission:

Myriad Genetics, Inc.
Classification: Pathogenic for Sjögren-Larsson syndrome. Last evaluated: 2025-05-25. Review status: criteria provided, single submitter. Criteria: Myriad Autosomal Dominant, Autosomal Recessive and X-Linked Classification Criteria (2023). Collection method: clinical testing. Allele origin: unknown.
Comment: NM_000382.2(ALDH3A2):c.298C>T(Q100*) is expected to be pathogenic in the context of Sjogren-Larsson syndrome. This variant is predicted to lead to an abnormal or absent protein product due to the creation of a premature termination codon in ALDH3A2, a gene where loss-of-function variants are known to be pathogenic. Please note: this variant was assessed in the context of healthy population screening.